The following is an entry in ClinVar:

ClinVar aggregate classification (germline): Uncertain significance (1 of 4 stars; one submission).

gnomAD v4.1: 2 of 1,613,960 alleles (0.00012%); highest among the groups gnomAD compares: Non-Finnish European, 0.00017%; no homozygotes.

Submission:

Labcorp Genetics (formerly Invitae), Labcorp
Classification: Uncertain significance. Last evaluated: 2025-09-20. Review status: criteria provided, single submitter. Criteria: Invitae Variant Classification Sherloc (09022015). Collection method: clinical testing. Allele origin: germline.
Comment: This sequence change replaces glycine, which is neutral and non-polar, with alanine, which is neutral and non-polar, at codon 300 of the ADAMTS17 protein (p.Gly300Ala). This variant is not present in population databases (gnomAD no frequency). This variant has not been reported in the literature in individuals affected with ADAMTS17-related conditions. ClinVar contains an entry for this variant (Variation ID: 2052312). An algorithm developed to predict the effect of missense changes on protein structure and function (PolyPhen-2) suggests that this variant is likely to be disruptive. In summary, the available evidence is currently insufficient to determine the role of this variant in disease. Therefore, it has been classified as a Variant of Uncertain Significance.

NM_139057.4(ADAMTS17):c.899G>C (p.Gly300Ala)

Gene: ADAMTS17 (ADAM metallopeptidase with thrombospondin type 1 motif 17; minus strand). Cytogenetic location: 15q26.3.
Variant type: single nucleotide variant.
Coding change: c.899G>C on transcript NM_139057.4 (MANE Select); coding-DNA position 899, G replaced by C.
Protein change: p.Gly300Ala; replaces glycine 300 with alanine.
Molecular consequence: missense variant.
Genome position (GRCh38, 1-based): chr15:100,261,611, C>G on the plus strand (G>C on the coding strand, the complement: ADAMTS17 is on the minus strand). VCF-style: chr15-100261611-C-G. GRCh37 (hg19) VCF-style: chr15-100801816-C-G.
Other names: short protein forms G300A.
Identifiers: ClinVar variation 2052312 (VCV002052312.3), dbSNP rs2548794717, ClinGen allele CA393939933.